The following is an entry in ClinVar:

ClinVar aggregate classification (germline): Pathogenic (1 of 4 stars; one submission).

Conditions:
Niemann-Pick disease, type C1. Also called: NIEMANN-PICK DISEASE, VARIANT TYPE C1; NEUROVISCERAL STORAGE DISEASE WITH VERTICAL SUPRANUCLEAR OPHTHALMOPLEGIA; NIEMANN-PICK DISEASE WITH CHOLESTEROL ESTERIFICATION BLOCK; NIEMANN-PICK DISEASE WITHOUT SPHINGOMYELINASE DEFICIENCY; NIEMANN-PICK DISEASE, CHRONIC NEURONOPATHIC FORM. Identifiers: Orphanet 646, MedGen C3179455, MONDO:0009757, OMIM 257220.

Submission:

Labcorp Genetics (formerly Invitae), Labcorp
Classification: Pathogenic for Niemann-Pick disease, type C1. Last evaluated: 2023-08-31. Review status: criteria provided, single submitter. Criteria: Invitae Variant Classification Sherloc (09022015). Collection method: clinical testing. Allele origin: germline.
Comment: This sequence change creates a premature translational stop signal (p.Tyr1085Cysfs*11) in the NPC1 gene. It is expected to result in an absent or disrupted protein product. Loss-of-function variants in NPC1 are known to be pathogenic (PMID: 9211850). This variant is not present in population databases (gnomAD no frequency). This variant has not been reported in the literature in individuals affected with NPC1-related conditions. ClinVar contains an entry for this variant (Variation ID: 1407124). For these reasons, this variant has been classified as Pathogenic.

Literature cited by the submitters: PubMed 9211850.

NM_000271.5(NPC1):c.3254_3255del (p.Tyr1085fs)

Gene: NPC1 (NPC intracellular cholesterol transporter 1; minus strand). Cytogenetic location: 18q11.2.
Variant type: Deletion.
Coding change: c.3254_3255del on transcript NM_000271.5 (MANE Select); coding-DNA positions 3254 to 3255, 2 bases deleted (AT; older notation c.3254_3255delAT).
Protein change: p.Tyr1085fs; shifts the reading frame from tyrosine 1085.
Molecular consequence: frameshift variant.
Genome position (GRCh38, 1-based): chr18:23,535,691-23,535,692, AT deleted on the plus strand (AT on the coding strand, the reverse complement: NPC1 is on the minus strand); deleting any 2 consecutive bases within chr18:23,535,691-23,535,693 gives the same sequence; the c. name uses the placement nearest the transcript's 3' end. VCF-style (leftmost placement, unchanged base first): chr18-23535690-CAT-C. GRCh37 (hg19) VCF-style: chr18-21115654-CAT-C.
Other names: short protein forms Y1085fs.
Identifiers: ClinVar variation 1407124 (VCV001407124.6), dbSNP rs2145351971, ClinGen allele CA2573155193.